The following is an entry in ClinVar:

NM_022081.6(HPS4):c.833A>T (p.Asp278Val)

Gene: HPS4 (HPS4 biogenesis of lysosomal organelles complex 3 subunit 2; minus strand). Cytogenetic location: 22q12.1.
Variant type: single nucleotide variant.
Coding change: c.833A>T on transcript NM_022081.6 (MANE Select); coding-DNA position 833, A replaced by T.
Protein change: p.Asp278Val; replaces aspartic acid 278 with valine.
Molecular consequence: missense variant. On other transcripts: non-coding transcript variant (8).
Genome position (GRCh38, 1-based): chr22:26,464,797, T>A on the plus strand (A>T on the coding strand, the complement: HPS4 is on the minus strand). VCF-style: chr22-26464797-T-A. GRCh37 (hg19) VCF-style: chr22-26860763-T-A.
Other names: c.833A>T (NM_022081.4); c.833A>T, p.Asp278Val (NM_001349896.1, NM_001349898.2, NM_001349899.2 and 5 more transcripts); c.887A>T, p.Asp296Val (NM_001349900.2, NM_001349901.1); c.818A>T, p.Asp273Val (NM_152841.2); short protein forms D273V, D278V, D296V.
Identifiers: ClinVar variation 1900274 (VCV001900274.5), dbSNP rs374205780, ClinGen allele CA10163463.

ClinVar aggregate classification (germline): Uncertain significance. Review status: criteria provided, multiple submitters, no conflicts (2 of 4 stars). 2 submissions from 2 submitters: Uncertain significance (2). Last evaluated 2025-10-18.

Conditions:
Inborn genetic diseases. Identifiers: MedGen C0950123, MeSH D030342.

Allele frequency attached by ClinVar (database versions not stated): ESP Exome Variant Server 0.00008; gnomAD exomes below 0.00001; ExAC 0.00003; TOPMed 0.00006; gnomAD 0.00003.
gnomAD v4.1: 11 of 1,591,568 alleles (0.00069%); highest among the groups gnomAD compares: African/African-American, 0.015%; no homozygotes.

Submissions (2):

Ambry Genetics
Classification: Uncertain significance for Inborn genetic diseases. Last evaluated: 2025-10-18. Review status: criteria provided, single submitter. Criteria: Ambry Variant Classification Scheme 2023. Collection method: clinical testing. Allele origin: germline.

Labcorp Genetics (formerly Invitae), Labcorp
Classification: Uncertain significance. Last evaluated: 2022-05-06. Review status: criteria provided, single submitter. Criteria: Invitae Variant Classification Sherloc (09022015). Collection method: clinical testing. Allele origin: germline.
Comment: This sequence change replaces aspartic acid, which is acidic and polar, with valine, which is neutral and non-polar, at codon 278 of the HPS4 protein (p.Asp278Val). This variant is present in population databases (rs374205780, gnomAD 0.03%). This variant has not been reported in the literature in individuals affected with HPS4-related conditions. Algorithms developed to predict the effect of missense changes on protein structure and function (SIFT, PolyPhen-2, Align-GVGD) all suggest that this variant is likely to be tolerated. In summary, the available evidence is currently insufficient to determine the role of this variant in disease. Therefore, it has been classified as a Variant of Uncertain Significance.